The following is an entry in ClinVar:

NM_001032382.2(PQBP1):c.488G>T (p.Arg163Leu)

Gene: PQBP1 (polyglutamine binding protein 1; plus strand). Cytogenetic location: Xp11.23.
Variant type: single nucleotide variant.
Coding change: c.488G>T on transcript NM_001032382.2 (MANE Select); coding-DNA position 488, G replaced by T.
Protein change: p.Arg163Leu; replaces arginine 163 with leucine.
Molecular consequence: missense variant. On other transcripts: intron variant (2).
Genome position (GRCh38, 1-based): chrX:48,902,428, G>T. VCF-style: chrX-48902428-G-T. GRCh37 (hg19) VCF-style: chrX-48759705-G-T.
Other names: c.488G>T, p.Arg163Leu (NM_001032381.2, NM_001032383.2, NM_001032384.1 and 2 more transcripts); c.464G>T, p.Arg155Leu (NM_001167990.2); c.293-304G>T (NM_144495.3); c.202-14G>T (NM_001167992.1); short protein forms R155L, R163L.
Identifiers: ClinVar variation 3341318 (VCV003341318.1).
Genomic context (GRCh38, chrX:48,902,428, plus strand): 5'-AGCGTGGCTATGACAAGGTAGACAGAGAGAGAGAGCGAGACAGGGAACGGGATCGGGACC[G>T]CGGGTATGACAAGGCAGACCGGGAAGAGGGCAAAGAACGGCGCCACCATCGCCGGGAGGA-3'
Protein context (NP_001027554.1, residues 153-173): RERDRERDRD[Arg163Leu]GYDKADREEG

ClinVar aggregate classification (germline): Uncertain significance (1 of 4 stars; one submission).

Conditions:
Renpenning syndrome. Also called: GOLABI-ITO-HALL SYNDROME; Mental retardation, X-linked Renpenning type; X-linked mental retardation with spastic diplegia; X-linked mental retardation syndromic 3; Sutherland-Haan syndrome; MENTAL RETARDATION, X-LINKED 55. Identifiers: Orphanet 3242, MedGen C0796135, MONDO:0010653, OMIM 309500.

Submission:

Neuberg Centre For Genomic Medicine, NCGM
Classification: Uncertain significance for Renpenning syndrome. Last evaluated: 2023-05-20. Review status: criteria provided, single submitter. Criteria: ACMG Guidelines, 2015. Collection method: clinical testing. Allele origin: germline. Inheritance: X-linked recessive inheritance. Affected: yes.
Comment: The observed missense c.488G>T(p.Arg163Leu) variant in PQBP1 gene has not been reported previously as a pathogenic variant nor as a benign variant, to our knowledge. This variant is absent in gnomAD Exomes. The amino acid Arg at position 163 is changed to a Leu changing protein sequence and it might alter its composition and physico-chemical properties. The amino acid change p.Arg163Leu in PQBP1 is predicted as conserved by GERP++ and PhyloP across 100 vertebrates. Computational evidence (Polyphen - Possibly damaging, SIFT - Tolerated, and MutationTaster - Disease causing) predicts conflicting evidence on protein structure and function for this variant. For these reasons, this variant has been classified as Uncertain Significance.